The following is an entry in ClinVar:

NM_018055.5(NODAL):c.817G>A (p.Ala273Thr)

Gene: NODAL (nodal growth differentiation factor; minus strand). Cytogenetic location: 10q22.1.
Variant type: single nucleotide variant.
Coding change: c.817G>A on transcript NM_018055.5 (MANE Select); coding-DNA position 817, G replaced by A.
Protein change: p.Ala273Thr; replaces alanine 273 with threonine.
Molecular consequence: missense variant.
Genome position (GRCh38, 1-based): chr10:70,435,360, C>T on the plus strand (G>A on the coding strand, the complement: NODAL is on the minus strand). VCF-style: chr10-70435360-C-T. GRCh37 (hg19) VCF-style: chr10-72195116-C-T.
Other names: c.418G>A, p.Ala140Thr (NM_001329906.2); short protein forms A140T, A273T.
Identifiers: ClinVar variation 1013953 (VCV001013953.8), dbSNP rs770958126, ClinGen allele CA5537532.

ClinVar aggregate classification (germline): Uncertain significance (1 of 4 stars; one submission).

Conditions:
Heterotaxy, visceral, 5, autosomal (HTX5). Also called: Heterotaxy, visceral, 5. Identifiers: Orphanet 450, MedGen C3495537, MONDO:0700112, OMIM 270100.

Allele frequency attached by ClinVar (database versions not stated): ExAC 0.00001; gnomAD exomes 0.00001; TOPMed 0.00001.

Submission:

Labcorp Genetics (formerly Invitae), Labcorp
Classification: Uncertain significance for Heterotaxy, visceral, 5, autosomal. Last evaluated: 2020-08-19. Review status: criteria provided, single submitter. Criteria: Invitae Variant Classification Sherloc (09022015). Collection method: clinical testing. Allele origin: germline.
Comment: In summary, the available evidence is currently insufficient to determine the role of this variant in disease. Therefore, it has been classified as a Variant of Uncertain Significance. Algorithms developed to predict the effect of missense changes on protein structure and function (SIFT, PolyPhen-2, Align-GVGD) all suggest that this variant is likely to be disruptive, but these predictions have not been confirmed by published functional studies and their clinical significance is uncertain. This variant has not been reported in the literature in individuals with NODAL-related conditions. This variant is present in population databases (rs770958126, ExAC 0.02%). This sequence change replaces alanine with threonine at codon 273 of the NODAL protein (p.Ala273Thr). The alanine residue is highly conserved and there is a small physicochemical difference between alanine and threonine.